The following continues an entry in ClinVar:

NM_000092.5(COL4A4):c.1323_1340del (p.Pro444_Leu449del)

Gene: COL4A4. ClinVar aggregate classification (germline): Pathogenic/Likely pathogenic. Pathogenic (10); Likely pathogenic (4).

Submissions 8 to 16 of 16:

Women's Health and Genetics/Laboratory Corporation of America, LabCorp
Classification: Pathogenic for Autosomal recessive Alport syndrome. Last evaluated: 2024-08-15. Review status: criteria provided, single submitter. Criteria: LabCorp Variant Classification Summary - May 2015. Collection method: clinical testing. Allele origin: germline.
Comment: Variant summary: COL4A4 c.1323_1340del18 (p.Pro444_Leu449del) results in an in-frame deletion that is predicted to remove 6 amino acids within the triple-helical region (UniProt) of the encoded protein sequence. This variant disrupts critical glycine residues at position 1 of a Gly-X-Y repeat in the collagenous domain of the collagen IV alpha 4 chain, and variants affecting these glycine residues are significantly enriched in individuals with Alport syndrome (PMID: 33854215). The variant allele was found at a frequency of 4e-05 in 247640 control chromosomes. This frequency is not significantly higher than estimated for a pathogenic variant in COL4A4 causing Alport Syndrome, Autosomal Recessive (4e-05 vs 0.0011), allowing no conclusion about variant significance. c.1323_1340del18 has been reported in the literature in multiple individuals, including compound heterozygotes, homozygotes, and heterozygotes, affected with Alport Syndrome (e.g., Zhu_2018, Boye_1998, Domingo-Gallego_2022, Furlano_2021). These studies have shown segregation of the variant with disease among family members and suggest the variant is associated with both autosomal recessive and dominant forms of disease. These data indicate that the variant is very likely to be associated with disease. To our knowledge, no experimental evidence demonstrating an impact on protein function has been reported. The following publications have been ascertained in the context of this evaluation (PMID: 38317457, 9792860, 33532864, 30745910). ClinVar contains an entry for this variant (Variation ID: 552183). Based on the evidence outlined above, the variant was classified as pathogenic.

Mayo Clinic Laboratories, Mayo Clinic
Classification: Pathogenic. Last evaluated: 2023-06-23. Review status: criteria provided, single submitter. Criteria: ACMG Guidelines, 2015. Collection method: clinical testing. Allele origin: germline. Observed: 1 variant allele.
Comment: PP1, PM2_supporting, PM3, PM4, PS4

Molecular Genetics, Royal Melbourne Hospital
Classification: Pathogenic for Alport syndrome. Last evaluated: 2023-03-30. Review status: criteria provided, single submitter. Criteria: ACMG Guidelines, 2015. Collection method: clinical testing. Allele origin: germline. Affected: yes.
Comment: This sequence change is predicted to cause a change in the length of the protein due to an in-frame deletion of six amino acids in a non-repeat region of the COL4A4 protein (p.(Pro444_Leu449del)). The region deleted is highly conserved (100 vertebrates, UCSC), and includes two glycines in Gly-X-Y repeats in the collagenous domain. The highest population minor allele frequency in gnomAD v2.1 is 0.03% (5/17,922 alleles, 0 homozygotes) in the East Asian population, which is consistent with a recessive condition. This variant has been reported in at least two probands autosomal dominant Alport syndrome (PMID: 25307543, 27281700). The variant has been reported to segregate with both dominant and recessive Alport syndrome in 11 affected family members from a single multi-generational family (PMID: 9792860). This variant has been detected in at least three individuals with Alport syndrome. Of those individuals, one individual was homozygous and two were compound heterozygous for the variant and a pathogenic variant confirmed in trans by parental testing (PMID: 9792860, 30745910, 33532864). Based on the classification scheme RMH Modified ACMG Guidelines v1.4.0, this variant is classified as PATHOGENIC. Following criteria are met: PM3_Strong, PP1_Strong, PM4, PM2_Supporting.

Eurofins-Biomnis
Classification: Pathogenic for Hematuria, benign familial, 1. Last evaluated: 2022-11-03. Review status: criteria provided, single submitter. Criteria: Accession Criteria ClinVar Biomnis. Collection method: clinical testing. Allele origin: germline. Affected: yes. Observed: 1 heterozygote.

Fulgent Genetics
Classification: Pathogenic for Hematuria, benign familial, 1; Autosomal recessive Alport syndrome. Last evaluated: 2021-12-21. Review status: criteria provided, single submitter. Criteria: ACMG Guidelines, 2015. Collection method: clinical testing. Allele origin: unknown.

Molecular Biology Laboratory, Fundació Puigvert
Classification: Likely pathogenic for Autosomal recessive Alport syndrome. Last evaluated: 2020-02-01. Review status: criteria provided, single submitter. Criteria: ACMG Guidelines, 2015. Collection method: research. Allele origin: inherited. Affected: yes. Study: KidneyPanel_2020.

Clinical Genetics Service, Universitary Hospital 12 de Octubre
Classification: Likely pathogenic for Hematuria, benign familial, 1. Review status: criteria provided, single submitter. Criteria: ACMG Guidelines, 2015. Collection method: clinical testing. Allele origin: germline. Affected: yes.

Biochemistry Department, Nishtar Medical University
Classification: Pathogenic for Autosomal recessive Alport syndrome. Last evaluated: 2024-03-27. Review status: no assertion criteria provided. Collection method: clinical testing. Allele origin: inherited. Affected: yes. Observed: 2 variant alleles. Not counted in ClinVar's aggregate classification.

Counsyl
Classification: Likely pathogenic for Autosomal recessive Alport syndrome. Last evaluated: 2017-05-26. Review status: no assertion criteria provided. Collection method: clinical testing. Allele origin: unknown. Not counted in ClinVar's aggregate classification.

Literature cited by the submitters: PubMed 9792860 (cited by 8 submitters); PubMed 27281700 (cited by 8 submitters); PubMed 28704582 (cited by 3 submitters); PubMed 30745910 (cited by 9 submitters); PubMed 32604935 (cited by Centre de Génétique Humaine, Institut de Pathologie Et de Génétique and Mayo Clinic Laboratories, Mayo Clinic); PubMed 33838161 (cited by Centre de Génétique Humaine, Institut de Pathologie Et de Génétique); PubMed 36130833 (cited by Centre de Génétique Humaine, Institut de Pathologie Et de Génétique); PubMed 41398421 (cited by Centre de Génétique Humaine, Institut de Pathologie Et de Génétique); PubMed 25307543 (cited by 4 submitters); PubMed 33095447 (cited by 3 submitters); PubMed 33532864 (cited by 5 submitters); PubMed 35683636 (cited by Ambry Genetics); PubMed 39558648 (cited by Ambry Genetics); PubMed 24046192 (cited by Victorian Clinical Genetics Services, Murdoch Childrens Research Institute); PubMed 16467446 (cited by Victorian Clinical Genetics Services, Murdoch Childrens Research Institute); PubMed 12028435 (cited by Victorian Clinical Genetics Services, Murdoch Childrens Research Institute); PubMed 17942953 (cited by Victorian Clinical Genetics Services, Murdoch Childrens Research Institute); PubMed 38317457 (cited by Women's Health and Genetics/Laboratory Corporation of America, LabCorp).